The following is an entry in ClinVar:

NM_014003.4(DHX38):c.537C>T (p.Ser179=)

Gene: DHX38 (DEAH-box helicase 38; plus strand). Cytogenetic location: 16q22.2.
Variant type: single nucleotide variant.
Coding change: c.537C>T on transcript NM_014003.4 (MANE Select); coding-DNA position 537, C replaced by T.
Protein change: p.Ser179=; no amino-acid change (serine 179 retained).
Molecular consequence: synonymous variant.
Genome position (GRCh38, 1-based): chr16:72,097,702, C>T. VCF-style: chr16-72097702-C-T. GRCh37 (hg19) VCF-style: chr16-72131601-C-T.
Identifiers: ClinVar variation 2119925 (VCV002119925.4), dbSNP rs2507083572, ClinGen allele CA496309496.

ClinVar aggregate classification (germline): Uncertain significance (1 of 4 stars; one submission).

Submission:

Labcorp Genetics (formerly Invitae), Labcorp
Classification: Uncertain significance. Last evaluated: 2022-03-31. Review status: criteria provided, single submitter. Criteria: Invitae Variant Classification Sherloc (09022015). Collection method: clinical testing. Allele origin: germline.
Comment: This sequence change affects codon 179 of the DHX38 mRNA. It is a 'silent' change, meaning that it does not change the encoded amino acid sequence of the DHX38 protein. This variant is not present in population databases (gnomAD no frequency). This variant has not been reported in the literature in individuals affected with DHX38-related conditions. Algorithms developed to predict the effect of sequence changes on RNA splicing suggest that this variant may disrupt the consensus splice site. In summary, the available evidence is currently insufficient to determine the role of this variant in disease. Therefore, it has been classified as a Variant of Uncertain Significance.